The following is an entry in ClinVar:

ClinVar aggregate classification (germline): Benign (1 of 4 stars; one submission).

Allele frequency attached by ClinVar (database versions not stated): TOPMed 0.51374; 1000 Genomes Project 0.51478; 1000 Genomes Project 30x 0.51530; gnomAD 0.51854 and 0.52288.
gnomAD v4.1: 78,767 of 152,078 alleles (52%); highest among the groups gnomAD compares: African/African-American, 70%; 21,563 homozygotes.

Submission:

GeneDx
Classification: Benign. Last evaluated: 2018-06-14. Review status: criteria provided, single submitter. Criteria: GeneDx Variant Classification (06012015). Collection method: clinical testing. Allele origin: germline. Affected: yes.
Comment: This variant is considered likely benign or benign based on one or more of the following criteria: it is a conservative change, it occurs at a poorly conserved position in the protein, it is predicted to be benign by multiple in silico algorithms, and/or has population frequency not consistent with disease.

NM_004239.4(TRIP11):c.5719+314T>C

Gene: TRIP11 (thyroid hormone receptor interactor 11; minus strand). Cytogenetic location: 14q32.12.
Variant type: single nucleotide variant.
Coding change: c.5719+314T>C on transcript NM_004239.4 (MANE Select); 314 bases into the intron after coding-DNA position 5719, T replaced by C.
Molecular consequence: intron variant.
Genome position (GRCh38, 1-based): chr14:91,972,403, A>G on the plus strand (T>C on the coding strand, the complement: TRIP11 is on the minus strand). VCF-style: chr14-91972403-A-G. GRCh37 (hg19) VCF-style: chr14-92438747-A-G.
Other names: c.5716+314T>C (NM_001321851.1).
Identifiers: ClinVar variation 667815 (VCV000667815.1), dbSNP rs2295162, ClinGen allele CA14070912.